The following is an entry in ClinVar:

ClinVar aggregate classification (germline): Uncertain significance (1 of 4 stars; one submission).

Conditions:
COG5-congenital disorder of glycosylation. Also called: COG5-CDG; CONGENITAL DISORDER OF GLYCOSYLATION, TYPE IIi; CDG IIi. Identifiers: Orphanet 263487, MedGen C3150876, MONDO:0013325, OMIM 613612.

Allele frequency attached by ClinVar (database versions not stated): gnomAD exomes below 0.00001; ESP Exome Variant Server 0.00008.
gnomAD v4.1: 2 of 1,588,324 alleles (0.00013%); highest among the groups gnomAD compares: Non-Finnish European, 0.00017%; no homozygotes.

Submission:

Labcorp Genetics (formerly Invitae), Labcorp
Classification: Uncertain significance for COG5-congenital disorder of glycosylation. Last evaluated: 2025-02-24. Review status: criteria provided, single submitter. Criteria: Invitae Variant Classification Sherloc (09022015). Collection method: clinical testing. Allele origin: germline.
Comment: This sequence change replaces methionine, which is neutral and non-polar, with threonine, which is neutral and polar, at codon 397 of the COG5 protein (p.Met397Thr). This variant is not present in population databases (gnomAD no frequency). This variant has not been reported in the literature in individuals affected with COG5-related conditions. ClinVar contains an entry for this variant (Variation ID: 1991018). Invitae Evidence Modeling of protein sequence and biophysical properties (such as structural, functional, and spatial information, amino acid conservation, physicochemical variation, residue mobility, and thermodynamic stability) indicates that this missense variant is not expected to disrupt COG5 protein function with a negative predictive value of 80%. In summary, the available evidence is currently insufficient to determine the role of this variant in disease. Therefore, it has been classified as a Variant of Uncertain Significance.

NM_006348.5(COG5):c.1097T>C (p.Met366Thr)

Gene: COG5 (component of oligomeric golgi complex 5; minus strand). Cytogenetic location: 7q22.3.
Variant type: single nucleotide variant.
Coding change: c.1097T>C on transcript NM_006348.5 (MANE Select); coding-DNA position 1097, T replaced by C.
Protein change: p.Met366Thr; replaces methionine 366 with threonine.
Molecular consequence: missense variant. On other transcripts: intron variant (1).
Genome position (GRCh38, 1-based): chr7:107,324,451, A>G on the plus strand (T>C on the coding strand, the complement: COG5 is on the minus strand). VCF-style: chr7-107324451-A-G. GRCh37 (hg19) VCF-style: chr7-106964896-A-G.
Other names: c.1097T>C, p.Met366Thr (NM_001161520.2, NM_001379511.1, NM_001379512.1 and 3 more transcripts); c.383T>C, p.Met128Thr (NM_001379516.1); c.539-26105T>C (NM_001379515.1); short protein forms M128T, M366T.
Identifiers: ClinVar variation 1991018 (VCV001991018.2), dbSNP rs145400454, ClinGen allele CA164692531.